The following is an entry in ClinVar:

NM_000719.7(CACNA1C):c.2853+438C>T

Gene: CACNA1C (calcium voltage-gated channel subunit alpha1 C; plus strand). Cytogenetic location: 12p13.33.
Variant type: single nucleotide variant.
Coding change: c.2853+438C>T on transcript NM_000719.7 (MANE Select); 438 bases into the intron after coding-DNA position 2853, C replaced by T.
Molecular consequence: intron variant.
Genome position (GRCh38, 1-based): chr12:2,597,727, C>T. VCF-style: chr12-2597727-C-T. GRCh37 (hg19) VCF-style: chr12-2706893-C-T.
Other names: c.2853+438C>T (NM_001167624.3, NM_001167623.2, NM_001167625.2 and 7 more transcripts); c.2853+231C>T (NM_001129840.2, NM_001129836.2, NM_001129841.2 and 5 more transcripts); c.2913+231C>T (NM_199460.4, NM_001129827.2, NM_001129832.2); c.2844+438C>T (NM_001129844.2).
Identifiers: ClinVar variation 678687 (VCV000678687.1), dbSNP rs542898718, ClinGen allele CA231597056.
Genomic context (GRCh38, chr12:2,597,727, plus strand): 5'-TTAGAAGCCAGGAGCAGCCTACCCCACCACAGCTCCTCCCTCCAGCCACCCCTAAGCAGT[C>T]CGTGGCCTGGAAGGGACACGTGTTGGCTGTGCCAACATTAAGGCTGCCATTTCACTGGTT-3'

ClinVar aggregate classification (germline): Likely benign (1 of 4 stars; one submission).

Allele frequency attached by ClinVar (database versions not stated): 1000 Genomes Project 0.00339; 1000 Genomes Project 30x 0.00344; TOPMed 0.00808; gnomAD 0.01007.
gnomAD v4.1: 1,314 of 152,326 alleles (0.86%); highest among the groups gnomAD compares: Non-Finnish European, 1.3%; 10 homozygotes.

Submission:

GeneDx
Classification: Likely benign. Last evaluated: 2018-06-14. Review status: criteria provided, single submitter. Criteria: GeneDx Variant Classification (06012015). Collection method: clinical testing. Allele origin: germline. Affected: yes.
Comment: This variant is considered likely benign or benign based on one or more of the following criteria: it is a conservative change, it occurs at a poorly conserved position in the protein, it is predicted to be benign by multiple in silico algorithms, and/or has population frequency not consistent with disease.